The following is an entry in ClinVar:

ClinVar aggregate classification (germline): Uncertain significance. Review status: criteria provided, multiple submitters, no conflicts (2 of 4 stars). 2 submissions from 2 submitters: Uncertain significance (2). Last evaluated 2022-08-16.

Allele frequency attached by ClinVar (database versions not stated): ExAC 0.00001; gnomAD 0.00001 and 0.00002; gnomAD exomes 0.00001; TOPMed 0.00003.
gnomAD v4.1: 11 of 1,613,192 alleles (0.00068%); highest among the groups gnomAD compares: South Asian, 0.0011%; no homozygotes.

Submissions (2):

Labcorp Genetics (formerly Invitae), Labcorp
Classification: Uncertain significance. Last evaluated: 2022-08-16. Review status: criteria provided, single submitter. Criteria: Invitae Variant Classification Sherloc (09022015). Collection method: clinical testing. Allele origin: germline.
Comment: This sequence change replaces proline, which is neutral and non-polar, with leucine, which is neutral and non-polar, at codon 116 of the NDUFB9 protein (p.Pro116Leu). This variant is present in population databases (rs781372333, gnomAD 0.002%). This variant has not been reported in the literature in individuals affected with NDUFB9-related conditions. ClinVar contains an entry for this variant (Variation ID: 425448). Algorithms developed to predict the effect of missense changes on protein structure and function are either unavailable or do not agree on the potential impact of this missense change (SIFT: "Deleterious"; PolyPhen-2: "Probably Damaging"; Align-GVGD: "Class C0"). In summary, the available evidence is currently insufficient to determine the role of this variant in disease. Therefore, it has been classified as a Variant of Uncertain Significance.

CeGaT Center for Human Genetics Tuebingen
Classification: Uncertain significance. Last evaluated: 2016-12-01. Review status: criteria provided, single submitter. Criteria: CeGaT Center For Human Genetics Tuebingen Variant Classification Criteria Version 2. Collection method: clinical testing. Allele origin: germline. Affected: yes. Observed: 1 variant allele.

NM_005005.3(NDUFB9):c.347C>T (p.Pro116Leu)

Gene: NDUFB9 (NADH:ubiquinone oxidoreductase subunit B9; plus strand). Cytogenetic location: 8q24.13.
Variant type: single nucleotide variant.
Coding change: c.347C>T on transcript NM_005005.3 (MANE Select); coding-DNA position 347, C replaced by T.
Protein change: p.Pro116Leu; replaces proline 116 with leucine.
Molecular consequence: missense variant.
Genome position (GRCh38, 1-based): chr8:124,547,052, C>T. VCF-style: chr8-124547052-C-T. GRCh37 (hg19) VCF-style: chr8-125559293-C-T.
Other names: c.179C>T, p.Pro60Leu (NM_001278645.2); c.218C>T, p.Pro73Leu (NM_001278646.2); c.314C>T, p.Pro105Leu (NM_001311168.2); short protein forms P116L, P60L, P105L, P73L.
Identifiers: ClinVar variation 425448 (VCV000425448.46), dbSNP rs781372333, ClinGen allele CA4871542.